The following is an entry in ClinVar:

ClinVar aggregate classification (germline): Pathogenic/Likely pathogenic. Review status: criteria provided, multiple submitters, no conflicts (2 of 4 stars). 3 submissions from 3 submitters: Pathogenic (1); Likely pathogenic (2). Last evaluated 2024-04-15.

Conditions:
Hypertrophic cardiomyopathy. Also called: HYPERTROPHIC MYOCARDIOPATHY. Identifiers: Orphanet 217569, MedGen C0007194, MeSH D002312, MONDO:0005045, HP:0001639.
Dilated cardiomyopathy 1S (CMD1S). Identifiers: Orphanet 154, Orphanet 54260, MedGen C1834481, MONDO:0013262, OMIM 613426.
Hypertrophic cardiomyopathy 1 (CMH1). Also called: Familial hypertrophic cardiomyopathy 1; MYH7-Related Familial Hypertrophic Cardiomyopathy. Identifiers: MedGen C3495498, MONDO:0008647, OMIM 192600.
Cardiovascular phenotype. Identifiers: MedGen CN230736.

Submissions (3):

Labcorp Genetics (formerly Invitae), Labcorp
Classification: Pathogenic for Hypertrophic cardiomyopathy. Last evaluated: 2024-04-15. Review status: criteria provided, single submitter. Criteria: Invitae Variant Classification Sherloc (09022015). Collection method: clinical testing. Allele origin: germline.
Comment: This sequence change replaces methionine, which is neutral and non-polar, with isoleucine, which is neutral and non-polar, at codon 877 of the MYH7 protein (p.Met877Ile). This variant is not present in population databases (gnomAD no frequency). This missense change has been observed in individuals with hypertrophic cardiomyopathy (PMID: 27532257, 27737317, 28699631, 31638223). It has also been observed to segregate with disease in related individuals. ClinVar contains an entry for this variant (Variation ID: 955476). Advanced modeling of protein sequence and biophysical properties (such as structural, functional, and spatial information, amino acid conservation, physicochemical variation, residue mobility, and thermodynamic stability) performed at Invitae indicates that this missense variant is expected to disrupt MYH7 protein function with a positive predictive value of 80%. This variant is found within a region of MYH7 between codons 181 and 937 that contains the majority of the myosin head domain. Missense variants in this region have been shown to be significantly overrepresented in individuals with hypertrophic cardiomyopathy (PMID: 27532257). For these reasons, this variant has been classified as Pathogenic.

Ambry Genetics
Classification: Likely pathogenic for Cardiovascular phenotype. Last evaluated: 2024-04-11. Review status: criteria provided, single submitter. Criteria: Ambry Variant Classification Scheme 2023. Collection method: clinical testing. Allele origin: germline.
Comment: The p.M877I variant (also known as c.2631G>A), located in coding exon 20 of the MYH7 gene, results from a G to A substitution at nucleotide position 2631. The methionine at codon 877 is replaced by isoleucine, an amino acid with highly similar properties. This alteration is located in the myosin head domain, which contains a statistically significant clustering of pathogenic missense variants (Homburger JR et al. Proc Natl Acad Sci U S A, 2016 06;113:6701-6; Walsh R et al. Genet Med, 2017 02;19:192-203; Ambry internal data). This alteration has been reported in multiple individuals with hypertrophic cardiomyopathy (HCM) (Melacini P et al. Int J Cardiol, 2008 Aug;128:364-73; Mattos BP et al. Arq Bras Cardiol, 2016 Sep;107:257-265; Walsh R et al. Genet Med, 2017 02;19:192-203; Lorenzini M et al. J Am Coll Cardiol, 2020 08;76:550-559). In addition, two other alterations located at the same position, resulting in the same protein change, c.2631G>T and c.2631G>C, have been described in individuals with HCM (De Bortoli M et al. Eur. J. Hum. Genet., 2017 10;25:1165-1169; Walsh R et al. Genet. Med., 2017 02;19:192-203; Wang B et al. Mol Med Rep, 2019 Dec;20:5229-5238). This amino acid position is highly conserved in available vertebrate species. In addition, the in silico prediction for this alteration is inconclusive. This variant is considered to be rare based on population cohorts in the Genome Aggregation Database (gnomAD). Based on the majority of available evidence to date, this variant is likely to be pathogenic.

Juno Genomics, Hangzhou Juno Genomics, Inc
Classification: Likely pathogenic for Dilated cardiomyopathy 1S; Hypertrophic cardiomyopathy 1. Review status: criteria provided, single submitter. Criteria: ACMG Guidelines, 2015. Collection method: clinical testing. Allele origin: germline.
Comment: Absent from controls (or at extremely low frequency if recessive) in Genome Aggregation Database.;Same amino acid change as a previously established pathogenic variant regardless of nucleotide change.;Located in a mutational hot spot and/or critical and well-established functional domain without benign variation.;The prevalence of the variant in affected individuals is significantly increased compared to the prevalence in controls.

Literature cited by the submitters: PubMed 27532257 (cited by Labcorp Genetics (formerly Invitae), Labcorp and Ambry Genetics); PubMed 27737317 (cited by Labcorp Genetics (formerly Invitae), Labcorp and Ambry Genetics); PubMed 28699631 (cited by Labcorp Genetics (formerly Invitae), Labcorp); PubMed 31638223 (cited by Labcorp Genetics (formerly Invitae), Labcorp); PubMed 17643520 (cited by Ambry Genetics); PubMed 32731933 (cited by Ambry Genetics); PubMed 37466024 (cited by Ambry Genetics).

NM_000257.4(MYH7):c.2631G>A (p.Met877Ile)

Genes: MYH7 (myosin heavy chain 7; minus strand), LOC126861898 (BRD4-independent group 4 enhancer GRCh37_chr14:23893609-23894808; plus strand). Cytogenetic location: 14q11.2.
Variant type: single nucleotide variant.
Coding change: c.2631G>A on transcript NM_000257.4 (MANE Select); coding-DNA position 2631, G replaced by A.
Protein change: p.Met877Ile; replaces methionine 877 with isoleucine.
Molecular consequence: missense variant.
Genome position (GRCh38, 1-based): chr14:23,424,817, C>T on the plus strand (G>A on the coding strand, the complement: MYH7 is on the minus strand). VCF-style: chr14-23424817-C-T. GRCh37 (hg19) VCF-style: chr14-23894026-C-T.
Other names: short protein forms M877I.
Identifiers: ClinVar variation 955476 (VCV000955476.15), dbSNP rs1060505018, ClinGen allele CA389047943.